The following is an entry in ClinVar:

NM_032119.4(ADGRV1):c.10149C>T (p.Ser3383=)

Gene: ADGRV1 (adhesion G protein-coupled receptor V1; plus strand). Cytogenetic location: 5q14.3.
Variant type: single nucleotide variant.
Coding change: c.10149C>T on transcript NM_032119.4 (MANE Select); coding-DNA position 10149, C replaced by T.
Protein change: p.Ser3383=; no amino-acid change (serine 3383 retained).
Molecular consequence: synonymous variant. On other transcripts: non-coding transcript variant (1).
Genome position (GRCh38, 1-based): chr5:90,725,644, C>T. VCF-style: chr5-90725644-C-T. GRCh37 (hg19) VCF-style: chr5-90021461-C-T.
Identifiers: ClinVar variation 596131 (VCV000596131.30), dbSNP rs376298949, ClinGen allele CA3340674.

ClinVar aggregate classification (germline): Conflicting classifications of pathogenicity. Review status: criteria provided, conflicting classifications (1 of 4 stars). 8 submissions from 8 submitters: Uncertain significance (2); Benign (2); Likely benign (3). 1 of the submissions does not count toward it. Last evaluated 2026-01-25.

Conditions:
ADGRV1-related disorder. Also called: ADGRV1-related disorders; ADGRV1-related condition.
Usher syndrome type 2C. Also called: Usher syndrome, type 2B; USHER SYNDROME, TYPE IIC. Identifiers: Orphanet 231178, Orphanet 886, MedGen C2931213, MONDO:0011558, OMIM 605472.

Allele frequency attached by ClinVar (database versions not stated): gnomAD exomes 0.00028 and 0.00053; gnomAD 0.00048 and 0.00054; TOPMed 0.00052; ExAC 0.00069; 1000 Genomes Project 30x 0.00078; 1000 Genomes Project 0.00080.
gnomAD v4.1: 469 of 1,511,234 alleles (0.031%); highest among the groups gnomAD compares: South Asian, 0.35%; 1 homozygote.

Submissions (8):

Labcorp Genetics (formerly Invitae), Labcorp
Classification: Benign. Last evaluated: 2026-01-25. Review status: criteria provided, single submitter. Criteria: Invitae Variant Classification Sherloc (09022015). Collection method: clinical testing. Allele origin: germline.

Blueprint Genetics
Classification: Likely benign. Last evaluated: 2024-09-26. Review status: criteria provided, single submitter. Criteria: ACMG Guidelines, 2015. Collection method: clinical testing. Allele origin: germline.

Athena Diagnostics
Classification: Benign. Last evaluated: 2024-08-08. Review status: criteria provided, single submitter. Criteria: Athena Diagnostics Criteria. Collection method: clinical testing. Allele origin: unknown.

GeneDx
Classification: Likely benign. Last evaluated: 2019-02-13. Review status: criteria provided, single submitter. Criteria: GeneDx Variant Classification Process June 2021. Collection method: clinical testing. Allele origin: germline. Affected: yes.

Eurofins Ntd Llc (ga)
Classification: Uncertain significance. Last evaluated: 2018-03-01. Review status: criteria provided, single submitter. Criteria: EGL ClinVar v180209 classification definitions. Collection method: clinical testing. Allele origin: germline. Observed: 1 variant allele, 1 heterozygote.

Illumina Laboratory Services, Illumina
Classification: Uncertain significance for Usher syndrome type 2C. Last evaluated: 2018-01-13. Review status: criteria provided, single submitter. Criteria: ICSL Variant Classification Criteria 13 December 2019. Collection method: clinical testing. Allele origin: germline.

Laboratory for Molecular Medicine, Mass General Brigham Personalized Medicine
Classification: Likely benign. Last evaluated: 2017-08-23. Review status: criteria provided, single submitter. Criteria: LMM Criteria. Collection method: clinical testing. Allele origin: germline. Observed: 1 variant allele.
Comment: p.Ser3383Ser in exon 48 of GPR98: This variant is not expected to have clinical significance because it does not alter an amino acid residue and is not located within the splice consensus sequence. It has been identified in 0.39% (65/16502) of South Asian chromosomes by the Exome Aggregation Consortium (ExAC; dbSNP rs376298949).

PreventionGenetics, part of Exact Sciences
Classification: Likely benign for ADGRV1-related condition. Last evaluated: 2019-07-12. Review status: no assertion criteria provided. Collection method: clinical testing. Allele origin: germline. Not counted in ClinVar's aggregate classification.
Comment: This variant is classified as likely benign based on ACMG/AMP sequence variant interpretation guidelines (Richards et al. 2015 PMID: 25741868, with internal and published modifications).

Literature cited by the submitters: PubMed 36675424 (cited by Athena Diagnostics).